The following is an entry in ClinVar:

ClinVar aggregate classification (germline): Likely benign (1 of 4 stars; one submission).

gnomAD v4.1: 89 of 1,544,022 alleles (0.0058%); highest among the groups gnomAD compares: Admixed American, 0.093%; no homozygotes.

Submission:

CeGaT Center for Human Genetics Tuebingen
Classification: Likely benign. Last evaluated: 2026-02-01. Review status: criteria provided, single submitter. Criteria: CeGaT Center For Human Genetics Tuebingen Variant Classification Criteria Version 2. Collection method: clinical testing. Allele origin: germline. Affected: yes. Observed: 1 variant allele.
Comment: CAPN15: BP4, BP7

NM_005632.3(CAPN15):c.2457G>A (p.Thr819=)

Gene: CAPN15 (calpain 15; plus strand). Cytogenetic location: 16p13.3.
Variant type: single nucleotide variant.
Coding change: c.2457G>A on transcript NM_005632.3 (MANE Select); coding-DNA position 2457, G replaced by A.
Protein change: p.Thr819=; no amino-acid change (threonine 819 retained).
Molecular consequence: synonymous variant.
Genome position (GRCh38, 1-based): chr16:552,162, G>A. VCF-style: chr16-552162-G-A. GRCh37 (hg19) VCF-style: chr16-602162-G-A.
Identifiers: ClinVar variation 4821414 (VCV004821414.4).